The following is an entry in ClinVar:

NM_000417.3(IL2RA):c.221C>T (p.Ser74Leu)

Gene: IL2RA (interleukin 2 receptor subunit alpha; minus strand). Cytogenetic location: 10p15.1.
Variant type: single nucleotide variant.
Coding change: c.221C>T on transcript NM_000417.3 (MANE Select); coding-DNA position 221, C replaced by T.
Protein change: p.Ser74Leu; replaces serine 74 with leucine.
Molecular consequence: missense variant.
Genome position (GRCh38, 1-based): chr10:6,025,869, G>A on the plus strand (C>T on the coding strand, the complement: IL2RA is on the minus strand). VCF-style: chr10-6025869-G-A. GRCh37 (hg19) VCF-style: chr10-6067832-G-A.
Other names: c.221C>T, p.Ser74Leu (NM_001308242.2, NM_001308243.2); short protein forms S74L.
Identifiers: ClinVar variation 1015319 (VCV001015319.6), dbSNP rs756444069, ClinGen allele CA5397528.

ClinVar aggregate classification (germline): Uncertain significance (1 of 4 stars; one submission).

Conditions:
Immunodeficiency due to CD25 deficiency. Also called: IL2RA DEFICIENCY; IMMUNODEFICIENCY 41 WITH LYMPHOPROLIFERATION AND AUTOIMMUNITY; CD25 DEFICIENCY. Identifiers: Orphanet 169100, MedGen C1853392, MONDO:0011664, OMIM 606367.

Allele frequency attached by ClinVar (database versions not stated): gnomAD 0.00004 and 0.00007; TOPMed 0.00004; gnomAD exomes 0.00010 and 0.00019; ExAC 0.00018.
gnomAD v4.1: 151 of 1,614,086 alleles (0.0094%); highest among the groups gnomAD compares: South Asian, 0.12%; 4 homozygotes.

Submission:

Labcorp Genetics (formerly Invitae), Labcorp
Classification: Uncertain significance for Immunodeficiency due to CD25 deficiency. Last evaluated: 2022-10-03. Review status: criteria provided, single submitter. Criteria: Invitae Variant Classification Sherloc (09022015). Collection method: clinical testing. Allele origin: germline.
Comment: This sequence change replaces serine, which is neutral and polar, with leucine, which is neutral and non-polar, at codon 74 of the IL2RA protein (p.Ser74Leu). This variant is present in population databases (rs756444069, gnomAD 0.1%). This variant has not been reported in the literature in individuals affected with IL2RA-related conditions. ClinVar contains an entry for this variant (Variation ID: 1015319). Advanced modeling of protein sequence and biophysical properties (such as structural, functional, and spatial information, amino acid conservation, physicochemical variation, residue mobility, and thermodynamic stability) performed at Invitae indicates that this missense variant is not expected to disrupt IL2RA protein function. In summary, the available evidence is currently insufficient to determine the role of this variant in disease. Therefore, it has been classified as a Variant of Uncertain Significance.